The following is an entry in ClinVar:

NM_145200.5(CABP4):c.415G>A (p.Glu139Lys)

Gene: CABP4 (calcium binding protein 4; plus strand). Cytogenetic location: 11q13.2.
Variant type: single nucleotide variant.
Coding change: c.415G>A on transcript NM_145200.5 (MANE Select); coding-DNA position 415, G replaced by A.
Protein change: p.Glu139Lys; replaces glutamic acid 139 with lysine.
Molecular consequence: missense variant.
Genome position (GRCh38, 1-based): chr11:67,456,316, G>A. VCF-style: chr11-67456316-G-A. GRCh37 (hg19) VCF-style: chr11-67223787-G-A.
Other names: c.100G>A, p.Glu34Lys (NM_001300895.3, NM_001300896.3, NM_001379183.1); short protein forms E34K, E139K.
Identifiers: ClinVar variation 877963 (VCV000877963.8), dbSNP rs769103245, ClinGen allele CA6140212.

ClinVar aggregate classification (germline): Uncertain significance. Review status: criteria provided, multiple submitters, no conflicts (2 of 4 stars). 3 submissions from 3 submitters: Uncertain significance (3). Last evaluated 2024-11-19.

Conditions:
Cone-rod synaptic disorder, congenital nonprogressive. Also called: NIGHT BLINDNESS, CONGENITAL STATIONARY, INCOMPLETE, AUTOSOMAL RECESSIVE. Identifiers: Orphanet 215, MedGen C4041558, MONDO:0012490, OMIM 610427.

Allele frequency attached by ClinVar (database versions not stated): TOPMed 0.00002; ExAC 0.00007.
gnomAD v4.1: 84 of 1,613,780 alleles (0.0052%); highest among the groups gnomAD compares: Non-Finnish European, 0.0064%; no homozygotes.

Submissions (3):

Blueprint Genetics
Classification: Uncertain significance. Last evaluated: 2024-11-19. Review status: criteria provided, single submitter. Criteria: ACMG Guidelines, 2015. Collection method: clinical testing. Allele origin: germline.

Labcorp Genetics (formerly Invitae), Labcorp
Classification: Uncertain significance. Last evaluated: 2024-10-22. Review status: criteria provided, single submitter. Criteria: Invitae Variant Classification Sherloc (09022015). Collection method: clinical testing. Allele origin: germline.
Comment: This sequence change replaces glutamic acid, which is acidic and polar, with lysine, which is basic and polar, at codon 139 of the CABP4 protein (p.Glu139Lys). This variant is present in population databases (rs769103245, gnomAD 0.009%). This variant has not been reported in the literature in individuals affected with CABP4-related conditions. ClinVar contains an entry for this variant (Variation ID: 877963). Invitae Evidence Modeling of protein sequence and biophysical properties (such as structural, functional, and spatial information, amino acid conservation, physicochemical variation, residue mobility, and thermodynamic stability) indicates that this missense variant is not expected to disrupt CABP4 protein function with a negative predictive value of 80%. In summary, the available evidence is currently insufficient to determine the role of this variant in disease. Therefore, it has been classified as a Variant of Uncertain Significance.

Illumina Laboratory Services, Illumina
Classification: Uncertain significance for Cone-rod synaptic disorder, congenital nonprogressive. Last evaluated: 2018-01-13. Review status: criteria provided, single submitter. Criteria: ICSL Variant Classification Criteria 13 December 2019. Collection method: clinical testing. Allele origin: germline.